The following is an entry in ClinVar:

NM_004304.5(ALK):c.3601G>C (p.Gly1201Arg)

Gene: ALK (ALK receptor tyrosine kinase; minus strand). Cytogenetic location: 2p23.2.
Variant type: single nucleotide variant.
Coding change: c.3601G>C on transcript NM_004304.5 (MANE Select); coding-DNA position 3601, G replaced by C.
Protein change: p.Gly1201Arg; replaces glycine 1201 with arginine.
Molecular consequence: missense variant.
Genome position (GRCh38, 1-based): chr2:29,220,750, C>G on the plus strand (G>C on the coding strand, the complement: ALK is on the minus strand). VCF-style: chr2-29220750-C-G. GRCh37 (hg19) VCF-style: chr2-29443616-C-G.
Other names: c.3601G>C (NM_004304.4); c.397G>C, p.Gly133Arg (NM_001353765.2); short protein forms G133R, G1201R.
Identifiers: ClinVar variation 1400504 (VCV001400504.7), dbSNP rs761333959, ClinGen allele CA1593850.

ClinVar aggregate classification (germline): Uncertain significance. Review status: criteria provided, multiple submitters, no conflicts (2 of 4 stars). 2 submissions from 2 submitters: Uncertain significance (2). Last evaluated 2025-08-04.

Conditions:
Neuroblastoma, susceptibility to, 3. Also called: ALK-Related Neuroblastic Tumor Susceptibility. Identifiers: Orphanet 635, MedGen C2751681, MONDO:0013083, OMIM 613014.
Hereditary cancer-predisposing syndrome. Also called: Neoplastic Syndromes, Hereditary; Hereditary neoplastic syndrome; Hereditary Cancer Syndrome; Tumor predisposition. Identifiers: Orphanet 140162, MedGen C0027672, MeSH D009386, MONDO:0015356.

Allele frequency attached by ClinVar (database versions not stated): ExAC 0.00002.
gnomAD v4.1: 6 of 1,613,924 alleles (0.00037%); highest among the groups gnomAD compares: South Asian, 0.0044%; no homozygotes.

Submissions (2):

Labcorp Genetics (formerly Invitae), Labcorp
Classification: Uncertain significance for Neuroblastoma, susceptibility to, 3. Last evaluated: 2025-08-04. Review status: criteria provided, single submitter. Criteria: Invitae Variant Classification Sherloc (09022015). Collection method: clinical testing. Allele origin: germline.
Comment: This sequence change replaces glycine, which is neutral and non-polar, with arginine, which is basic and polar, at codon 1201 of the ALK protein (p.Gly1201Arg). This variant is present in population databases (rs761333959, gnomAD 0.01%). This variant has not been reported in the literature in individuals affected with ALK-related conditions. ClinVar contains an entry for this variant (Variation ID: 1400504). An algorithm developed to predict the effect of missense changes on protein structure and function (PolyPhen-2) suggests that this variant is likely to be disruptive. In summary, the available evidence is currently insufficient to determine the role of this variant in disease. Therefore, it has been classified as a Variant of Uncertain Significance.

Ambry Genetics
Classification: Uncertain significance for Hereditary cancer-predisposing syndrome. Last evaluated: 2025-04-24. Review status: criteria provided, single submitter. Criteria: Ambry Variant Classification Scheme 2023. Collection method: clinical testing. Allele origin: germline.
Comment: The p.G1201R variant (also known as c.3601G>C), located in coding exon 23 of the ALK gene, results from a G to C substitution at nucleotide position 3601. The glycine at codon 1201 is replaced by arginine, an amino acid with dissimilar properties. This amino acid position is highly conserved in available vertebrate species. In addition, this alteration is predicted to be deleterious by in silico analysis. Based on the available evidence, the clinical significance of this variant remains unclear.